The following is an entry in ClinVar:

ClinVar aggregate classification (germline): Benign (0 of 4 stars; one submission).

Conditions:
REV3L-related disorder. Also called: REV3L-related condition.

Allele frequency attached by ClinVar (database versions not stated): 1000 Genomes Project 0.01617; 1000 Genomes Project 30x 0.01765; gnomAD 0.02902; TOPMed 0.02905; ExAC 0.02995; ESP Exome Variant Server 0.03006.
gnomAD v4.1: 59,554 of 1,614,182 alleles (3.7%); highest among the groups gnomAD compares: Non-Finnish European, 4.3%; 1,175 homozygotes.

Submission:

PreventionGenetics, part of Exact Sciences
Classification: Benign for REV3L-related condition. Last evaluated: 2019-03-19. Review status: no assertion criteria provided. Collection method: clinical testing. Allele origin: germline.
Comment: This variant is classified as benign based on ACMG/AMP sequence variant interpretation guidelines (Richards et al. 2015 PMID: 25741868, with internal and published modifications).

NM_001372078.1(REV3L):c.6064C>T (p.Leu2022=)

Gene: REV3L (REV3 like, DNA directed polymerase zeta catalytic subunit; minus strand). Cytogenetic location: 6q21.
Variant type: single nucleotide variant.
Coding change: c.6064C>T on transcript NM_001372078.1 (MANE Select); coding-DNA position 6064, C replaced by T.
Protein change: p.Leu2022=; no amino-acid change (leucine 2022 retained).
Molecular consequence: synonymous variant.
Genome position (GRCh38, 1-based): chr6:111,367,724, G>A on the plus strand (C>T on the coding strand, the complement: REV3L is on the minus strand). VCF-style: chr6-111367724-G-A. GRCh37 (hg19) VCF-style: chr6-111688927-G-A.
Other names: c.5830C>T, p.Leu1944= (NM_001286431.2, NM_001286432.2); c.6064C>T, p.Leu2022= (NM_002912.5).
Identifiers: ClinVar variation 3057225 (VCV003057225.2), dbSNP rs3218587, ClinGen allele CA3961763.